The following is an entry in ClinVar:

NM_000059.4(BRCA2):c.6264_6265del (p.Glu2089fs)

Gene: BRCA2 (BRCA2 DNA repair associated; plus strand). Cytogenetic location: 13q13.1.
Variant type: Deletion.
Coding change: c.6264_6265del on transcript NM_000059.4 (MANE Select); coding-DNA positions 6264 to 6265, 2 bases deleted (TG; older notation c.6264_6265delTG).
Protein change: p.Glu2089fs; shifts the reading frame from glutamic acid 2089.
Molecular consequence: frameshift variant.
Genome position (GRCh38, 1-based): chr13:32,340,619-32,340,620, TG deleted. VCF-style (leftmost placement, unchanged base first): chr13-32340618-CTG-C. GRCh37 (hg19) VCF-style: chr13-32914755-CTG-C.
Other names: short protein forms E2089fs.
Identifiers: ClinVar variation 1452547 (VCV001452547.6), dbSNP rs2137525802, ClinGen allele CA2573149188.

ClinVar aggregate classification (germline): Pathogenic (1 of 4 stars; one submission).

Conditions:
Hereditary breast ovarian cancer syndrome. Also called: Hereditary breast and ovarian cancer; Hereditary breast and ovarian cancer syndrome (HBOC); Breast and ovarian cancer; Hereditary breast and ovarian cancer syndrome; Hereditary breast and/or ovarian cancer syndrome; BRCA1- and BRCA2-Associated Hereditary Breast and Ovarian Cancer. Identifiers: Orphanet 145, MedGen C0677776, MeSH D061325, MONDO:0003582. Disease mechanism: loss of function.

Submission:

Labcorp Genetics (formerly Invitae), Labcorp
Classification: Pathogenic for Hereditary breast ovarian cancer syndrome. Last evaluated: 2021-09-21. Review status: criteria provided, single submitter. Criteria: Invitae Variant Classification Sherloc (09022015). Collection method: clinical testing. Allele origin: germline.
Comment: This sequence change creates a premature translational stop signal (p.Glu2089Alafs*2) in the BRCA2 gene. It is expected to result in an absent or disrupted protein product. Loss-of-function variants in BRCA2 are known to be pathogenic (PMID: 20104584). This variant is not present in population databases (ExAC no frequency). This variant has not been reported in the literature in individuals affected with BRCA2-related conditions. For these reasons, this variant has been classified as Pathogenic.

Literature cited by the submitters: PubMed 20104584.